The following is an entry in ClinVar:

ClinVar aggregate classification (germline): Conflicting classifications of pathogenicity. Review status: criteria provided, conflicting classifications (1 of 4 stars). 5 submissions from 5 submitters: Uncertain significance (4); Likely benign (1). Last evaluated 2026-07-01.

Conditions:
3M syndrome 1. Also called: 3-M Syndrome, CUL7-Related. Identifiers: Orphanet 2616, MedGen C2678312, MONDO:0010117, OMIM 273750.
Inborn genetic diseases. Identifiers: MedGen C0950123, MeSH D030342.

Allele frequency attached by ClinVar (database versions not stated): gnomAD exomes 0.00022 and 0.00045; gnomAD 0.00025 and 0.00027; ExAC 0.00026; ESP Exome Variant Server 0.00031; TOPMed 0.00031.
gnomAD v4.1: 692 of 1,614,098 alleles (0.043%); highest among the groups gnomAD compares: Non-Finnish European, 0.056%; no homozygotes.

Submissions (5):

CeGaT Center for Human Genetics Tuebingen
Classification: Likely benign. Last evaluated: 2026-07-01. Review status: criteria provided, single submitter. Criteria: CeGaT Center For Human Genetics Tuebingen Variant Classification Criteria Version 2. Collection method: clinical testing. Allele origin: germline. Affected: yes. Observed: 1 variant allele.
Comment: CUL7: BP4

Ambry Genetics
Classification: Uncertain significance for Inborn genetic diseases. Last evaluated: 2025-08-04. Review status: criteria provided, single submitter. Criteria: Ambry Variant Classification Scheme 2023. Collection method: clinical testing. Allele origin: germline.

Labcorp Genetics (formerly Invitae), Labcorp
Classification: Uncertain significance. Last evaluated: 2024-12-16. Review status: criteria provided, single submitter. Criteria: Invitae Variant Classification Sherloc (09022015). Collection method: clinical testing. Allele origin: germline.
Comment: This sequence change replaces serine, which is neutral and polar, with asparagine, which is neutral and polar, at codon 930 of the CUL7 protein (p.Ser930Asn). This variant is present in population databases (rs61750321, gnomAD 0.04%). This variant has not been reported in the literature in individuals affected with CUL7-related conditions. ClinVar contains an entry for this variant (Variation ID: 356834). Invitae Evidence Modeling of protein sequence and biophysical properties (such as structural, functional, and spatial information, amino acid conservation, physicochemical variation, residue mobility, and thermodynamic stability) indicates that this missense variant is not expected to disrupt CUL7 protein function with a negative predictive value of 80%. In summary, the available evidence is currently insufficient to determine the role of this variant in disease. Therefore, it has been classified as a Variant of Uncertain Significance.

Greenwood Genetic Center Diagnostic Laboratories, Greenwood Genetic Center
Classification: Uncertain significance. Last evaluated: 2021-08-05. Review status: criteria provided, single submitter. Criteria: ACMG Guidelines, 2015. Collection method: clinical testing. Allele origin: germline. Affected: yes.
Comment: PM2

Illumina Laboratory Services, Illumina
Classification: Uncertain significance for 3M syndrome 1. Last evaluated: 2018-01-12. Review status: criteria provided, single submitter. Criteria: ICSL Variant Classification Criteria 13 December 2019. Collection method: clinical testing. Allele origin: germline.

NM_014780.5(CUL7):c.2789G>A (p.Ser930Asn)

Gene: CUL7 (cullin 7; minus strand). Cytogenetic location: 6p21.1.
Variant type: single nucleotide variant.
Coding change: c.2789G>A on transcript NM_014780.5 (MANE Select); coding-DNA position 2789, G replaced by A.
Protein change: p.Ser930Asn; replaces serine 930 with asparagine.
Molecular consequence: missense variant.
Genome position (GRCh38, 1-based): chr6:43,045,660, C>T on the plus strand (G>A on the coding strand, the complement: CUL7 is on the minus strand). VCF-style: chr6-43045660-C-T. GRCh37 (hg19) VCF-style: chr6-43013398-C-T.
Other names: c.2885G>A, p.Ser962Asn (NM_001168370.2, NM_001374872.1); c.2789G>A, p.Ser930Asn (NM_001374873.1, NM_001374874.1); short protein forms S930N, S962N.
Identifiers: ClinVar variation 356834 (VCV000356834.13), dbSNP rs61750321, ClinGen allele CA3813692.